The following is an entry in ClinVar:

NM_015512.5(DNAH1):c.4252_4266+9del

Gene: DNAH1 (dynein axonemal heavy chain 1; plus strand). Cytogenetic location: 3p21.1.
Variant type: Deletion.
Coding change: c.4252_4266+9del on transcript NM_015512.5 (MANE Select); coding-DNA position 4252 through 9 bases into the intron after coding-DNA position 4266, 24 bases deleted (AGGGCCTACCCCACGGTGAGCCGC).
Molecular consequence: splice donor variant.
Genome position (GRCh38, 1-based): chr3:52,358,723-52,358,746, AGGGCCTACCCCACGGTGAGCCGC deleted; deleting any 24 consecutive bases within chr3:52,358,722-52,358,746 gives the same sequence; the c. name uses the placement nearest the transcript's 3' end. VCF-style (leftmost placement, unchanged base first): chr3-52358721-TCAGGGCCTACCCCACGGTGAGCCG-T. GRCh37 (hg19) VCF-style: chr3-52392737-TCAGGGCCTACCCCACGGTGAGCCG-T.
Identifiers: ClinVar variation 2127083 (VCV002127083.4), dbSNP rs2471202406, ClinGen allele CA2577781709.

ClinVar aggregate classification (germline): Likely pathogenic (1 of 4 stars; one submission).

Conditions:
Spermatogenic failure 18. Identifiers: MedGen C4539783, MONDO:0054615, OMIM 617576.
Ciliary dyskinesia, primary, 37 (CILD37). Also called: CILIARY DYSKINESIA, PRIMARY, 37, WITH OR WITHOUT SITUS INVERSUS. Identifiers: MedGen C4539798, MONDO:0033204, OMIM 617577.

Submission:

Labcorp Genetics (formerly Invitae), Labcorp
Classification: Likely pathogenic for Ciliary dyskinesia, primary, 37; Spermatogenic failure 18. Last evaluated: 2022-05-16. Review status: criteria provided, single submitter. Criteria: Invitae Variant Classification Sherloc (09022015). Collection method: clinical testing. Allele origin: germline.
Comment: This variant results in the deletion of part of exon 25 (c.4252_4266+9del) of the DNAH1 gene. It is expected to disrupt RNA splicing. Variants that disrupt the donor or acceptor splice site typically lead to a loss of protein function (PMID: 16199547), and loss-of-function variants in DNAH1 are known to be pathogenic (PMID: 27573432, 27798045). In summary, the currently available evidence indicates that the variant is pathogenic, but additional data are needed to prove that conclusively. Therefore, this variant has been classified as Likely Pathogenic. Algorithms developed to predict the effect of sequence changes on RNA splicing suggest that this variant may disrupt the consensus splice site. This variant has not been reported in the literature in individuals affected with DNAH1-related conditions. This variant is not present in population databases (gnomAD no frequency).

Literature cited by the submitters: PubMed 16199547; PubMed 27573432; PubMed 27798045.